The following is an entry in ClinVar:

NM_025137.4(SPG11):c.7208C>T (p.Thr2403Ile)

Gene: SPG11 (SPG11 vesicle trafficking associated, spatacsin; minus strand). Cytogenetic location: 15q21.1.
Variant type: single nucleotide variant.
Coding change: c.7208C>T on transcript NM_025137.4 (MANE Select); coding-DNA position 7208, C replaced by T.
Protein change: p.Thr2403Ile; replaces threonine 2403 with isoleucine.
Molecular consequence: missense variant.
Genome position (GRCh38, 1-based): chr15:44,563,245, G>A on the plus strand (C>T on the coding strand, the complement: SPG11 is on the minus strand). VCF-style: chr15-44563245-G-A. GRCh37 (hg19) VCF-style: chr15-44855443-G-A.
Other names: c.6869C>T, p.Thr2290Ile (NM_001160227.2); c.7064C>T, p.Thr2355Ile (NM_001411132.1); short protein forms T2290I, T2355I, T2403I.
Identifiers: ClinVar variation 1757693 (VCV001757693.2), dbSNP rs904059359, ClinGen allele CA270056198.

ClinVar aggregate classification (germline): Uncertain significance (1 of 4 stars; one submission).

Conditions:
Inborn genetic diseases. Identifiers: MedGen C0950123, MeSH D030342.

Allele frequency attached by ClinVar (database versions not stated): gnomAD exomes below 0.00001.
gnomAD v4.1: 1 of 1,613,982 alleles (0.000062%); highest among the groups gnomAD compares: Non-Finnish European, 0.000085%; no homozygotes.

Submission:

Ambry Genetics
Classification: Uncertain significance for Inborn genetic diseases. Last evaluated: 2019-11-08. Review status: criteria provided, single submitter. Criteria: Ambry Variant Classification Scheme 2023. Collection method: clinical testing. Allele origin: germline.
Comment: The p.T2403I variant (also known as c.7208C>T), located in coding exon 40 of the SPG11 gene, results from a C to T substitution at nucleotide position 7208. The threonine at codon 2403 is replaced by isoleucine, an amino acid with similar properties. This amino acid position is not well conserved in available vertebrate species. In addition, this alteration is predicted to be tolerated by in silico analysis. Since supporting evidence is limited at this time, the clinical significance of this alteration remains unclear.